The following is an entry in ClinVar:

ClinVar aggregate classification (germline): Uncertain significance. Review status: criteria provided, multiple submitters, no conflicts (2 of 4 stars). 2 submissions from 2 submitters: Uncertain significance (2). Last evaluated 2025-01-31.

Conditions:
HGSNAT-related disorder. Also called: HGSNAT-related condition.
Mucopolysaccharidosis, MPS-III-C (MPS3C). Also called: SANFILIPPO SYNDROME C; MPS III C; mucopolysaccharidosis type 3C; MUCOPOLYSACCHARIDOSIS, TYPE IIIC; MPS IIIC (Sanfilippo Syndrome Type C); Mucopolysaccharidosis type IIIC (Sanfilippo C). Identifiers: Orphanet 581, Orphanet 79271, MedGen C0086649, MONDO:0009657, OMIM 252930.
Retinitis pigmentosa 73 (RP73). Identifiers: Orphanet 791, MedGen C4225287, MONDO:0014687, OMIM 616544.

Allele frequency attached by ClinVar (database versions not stated): 1000 Genomes Project 0.00040; gnomAD 0.00001; 1000 Genomes Project 30x 0.00031.
gnomAD v4.1: 4 of 1,613,684 alleles (0.00025%); highest among the groups gnomAD compares: East Asian, 0.0022%; no homozygotes.

Submissions (2):

PreventionGenetics, part of Exact Sciences
Classification: Uncertain significance for HGSNAT-related condition. Last evaluated: 2025-01-31. Review status: criteria provided, single submitter. Criteria: ACMG Guidelines, 2015. Collection method: clinical testing. Allele origin: germline.
Comment: The HGSNAT c.1433A>G variant is predicted to result in the amino acid substitution p.Asn478Ser. To our knowledge, this variant has not been reported in the literature. This variant is reported in 0.0065% of alleles in individuals of African descent in gnomAD. At this time, the clinical significance of this variant is uncertain due to the absence of conclusive functional and genetic evidence.

Labcorp Genetics (formerly Invitae), Labcorp
Classification: Uncertain significance for Retinitis pigmentosa 73; Mucopolysaccharidosis, MPS-III-C. Last evaluated: 2022-10-05. Review status: criteria provided, single submitter. Criteria: Invitae Variant Classification Sherloc (09022015). Collection method: clinical testing. Allele origin: germline.
Comment: This sequence change replaces asparagine, which is neutral and polar, with serine, which is neutral and polar, at codon 478 of the HGSNAT protein (p.Asn478Ser). This variant is present in population databases (rs148467283, gnomAD 0.007%). This variant has not been reported in the literature in individuals affected with HGSNAT-related conditions. Algorithms developed to predict the effect of missense changes on protein structure and function (SIFT, PolyPhen-2, Align-GVGD) all suggest that this variant is likely to be tolerated. In summary, the available evidence is currently insufficient to determine the role of this variant in disease. Therefore, it has been classified as a Variant of Uncertain Significance.

NM_152419.3(HGSNAT):c.1433A>G (p.Asn478Ser)

Gene: HGSNAT (heparan-alpha-glucosaminide N-acetyltransferase; plus strand). Cytogenetic location: 8p11.21.
Variant type: single nucleotide variant.
Coding change: c.1433A>G on transcript NM_152419.3 (MANE Select); coding-DNA position 1433, A replaced by G.
Protein change: p.Asn478Ser; replaces asparagine 478 with serine.
Molecular consequence: missense variant.
Genome position (GRCh38, 1-based): chr8:43,193,812, A>G. VCF-style: chr8-43193812-A-G. GRCh37 (hg19) VCF-style: chr8-43048955-A-G.
Other names: c.1433A>G, p.Asn478Ser (NM_001363227.2); c.1241A>G, p.Asn414Ser (NM_001363228.2); c.569A>G, p.Asn190Ser (NM_001363229.2); c.1433A>G (NM_152419.2); short protein forms N190S, N478S, N414S.
Identifiers: ClinVar variation 2149378 (VCV002149378.2), dbSNP rs148467283, ClinGen allele CA4736875.